The following is an entry in ClinVar:

ClinVar aggregate classification (germline): Uncertain significance (1 of 4 stars; one submission).

Submission:

Labcorp Genetics (formerly Invitae), Labcorp
Classification: Uncertain significance. Last evaluated: 2022-08-10. Review status: criteria provided, single submitter. Criteria: Invitae Variant Classification Sherloc (09022015). Collection method: clinical testing. Allele origin: germline.
Comment: In summary, the available evidence is currently insufficient to determine the role of this variant in disease. Therefore, it has been classified as a Variant of Uncertain Significance. Algorithms developed to predict the effect of missense changes on protein structure and function (SIFT, PolyPhen-2, Align-GVGD) all suggest that this variant is likely to be disruptive. This variant has not been reported in the literature in individuals affected with SCN3A-related conditions. This variant is not present in population databases (gnomAD no frequency). This sequence change replaces arginine, which is basic and polar, with isoleucine, which is neutral and non-polar, at codon 570 of the SCN3A protein (p.Arg570Ile).

NM_006922.4(SCN3A):c.1709G>T (p.Arg570Ile)

Gene: SCN3A (sodium voltage-gated channel alpha subunit 3; minus strand). Cytogenetic location: 2q24.3.
Variant type: single nucleotide variant.
Coding change: c.1709G>T on transcript NM_006922.4 (MANE Select); coding-DNA position 1709, G replaced by T.
Protein change: p.Arg570Ile; replaces arginine 570 with isoleucine.
Molecular consequence: missense variant.
Genome position (GRCh38, 1-based): chr2:165,140,961, C>A on the plus strand (G>T on the coding strand, the complement: SCN3A is on the minus strand). VCF-style: chr2-165140961-C-A. GRCh37 (hg19) VCF-style: chr2-165997471-C-A.
Other names: c.1709G>T, p.Arg570Ile (NM_001081676.2, NM_001081677.2); short protein forms R570I.
Identifiers: ClinVar variation 1716058 (VCV001716058.5), dbSNP rs2468325804, ClinGen allele CA349047133.